The following is an entry in ClinVar:

ClinVar aggregate classification (germline): Uncertain significance. Review status: criteria provided, multiple submitters, no conflicts (2 of 4 stars). 2 submissions from 2 submitters: Uncertain significance (2). Last evaluated 2024-04-10.

Conditions:
Juvenile polyposis syndrome (JPS). Identifiers: Orphanet 2929, MedGen C0345893, MONDO:0017380, OMIM 174900.
Hereditary cancer-predisposing syndrome. Also called: Tumor predisposition; Hereditary Cancer Syndrome; Hereditary neoplastic syndrome; Neoplastic Syndromes, Hereditary. Identifiers: Orphanet 140162, MedGen C0027672, MeSH D009386, MONDO:0015356.

Submissions (2):

Ambry Genetics
Classification: Uncertain significance for Hereditary cancer-predisposing syndrome. Last evaluated: 2024-04-10. Review status: criteria provided, single submitter. Criteria: Ambry Variant Classification Scheme 2023. Collection method: clinical testing. Allele origin: germline.
Comment: The p.T265N variant (also known as c.794C>A), located in coding exon 7 of the BMPR1A gene, results from a C to A substitution at nucleotide position 794. The threonine at codon 265 is replaced by asparagine, an amino acid with similar properties. This amino acid position is conserved. In addition, this alteration is predicted to be tolerated by in silico analysis. Based on the available evidence, the clinical significance of this variant remains unclear.

Labcorp Genetics (formerly Invitae), Labcorp
Classification: Uncertain significance for Juvenile polyposis syndrome. Last evaluated: 2023-11-29. Review status: criteria provided, single submitter. Criteria: Invitae Variant Classification Sherloc (09022015). Collection method: clinical testing. Allele origin: germline.
Comment: This sequence change replaces threonine, which is neutral and polar, with asparagine, which is neutral and polar, at codon 265 of the BMPR1A protein (p.Thr265Asn). This variant is not present in population databases (gnomAD no frequency). This variant has not been reported in the literature in individuals affected with BMPR1A-related conditions. ClinVar contains an entry for this variant (Variation ID: 2134523). Advanced modeling of protein sequence and biophysical properties (such as structural, functional, and spatial information, amino acid conservation, physicochemical variation, residue mobility, and thermodynamic stability) performed at Invitae indicates that this missense variant is not expected to disrupt BMPR1A protein function with a negative predictive value of 80%. In summary, the available evidence is currently insufficient to determine the role of this variant in disease. Therefore, it has been classified as a Variant of Uncertain Significance.

NM_004329.3(BMPR1A):c.794C>A (p.Thr265Asn)

Gene: BMPR1A (bone morphogenetic protein receptor type 1A; plus strand). Cytogenetic location: 10q23.2.
Variant type: single nucleotide variant.
Coding change: c.794C>A on transcript NM_004329.3 (MANE Select); coding-DNA position 794, C replaced by A.
Protein change: p.Thr265Asn; replaces threonine 265 with asparagine.
Molecular consequence: missense variant.
Genome position (GRCh38, 1-based): chr10:86,917,252, C>A. VCF-style: chr10-86917252-C-A. GRCh37 (hg19) VCF-style: chr10-88677009-C-A.
Other names: c.869C>A, p.Thr290Asn (NM_001406559.1); c.842C>A, p.Thr281Asn (NM_001406560.1); c.794C>A, p.Thr265Asn (NM_001406561.1, NM_001406562.1, NM_001406563.1 and 19 more transcripts); c.788C>A, p.Thr263Asn (NM_001406583.1); c.710C>A, p.Thr237Asn (NM_001406584.1, NM_001406585.1, NM_001406586.1 and 2 more transcripts); c.452C>A, p.Thr151Asn (NM_001406589.1); short protein forms T151N, T281N, T265N, T290N, T237N, T263N.
Identifiers: ClinVar variation 2134523 (VCV002134523.3), dbSNP rs1064793937, ClinGen allele CA377458182.